The following is an entry in ClinVar:

ClinVar aggregate classification (germline): Likely benign (1 of 4 stars; one submission).

gnomAD v4.1: 125 of 1,613,860 alleles (0.0077%); highest among the groups gnomAD compares: Non-Finnish European, 0.01%; no homozygotes.

Submission:

CeGaT Center for Human Genetics Tuebingen
Classification: Likely benign. Last evaluated: 2025-01-01. Review status: criteria provided, single submitter. Criteria: CeGaT Center For Human Genetics Tuebingen Variant Classification Criteria Version 2. Collection method: clinical testing. Allele origin: germline. Affected: yes. Observed: 1 variant allele.
Comment: GRIA1: BP4, BP7

NM_000827.4(GRIA1):c.2667G>A (p.Ser889=)

Gene: GRIA1 (glutamate ionotropic receptor AMPA type subunit 1; plus strand). Cytogenetic location: 5q33.2.
Variant type: single nucleotide variant.
Coding change: c.2667G>A on transcript NM_000827.4 (MANE Select); coding-DNA position 2667, G replaced by A.
Protein change: p.Ser889=; no amino-acid change (serine 889 retained).
Molecular consequence: synonymous variant. On other transcripts: non-coding transcript variant (2).
Genome position (GRCh38, 1-based): chr5:153,811,171, G>A. VCF-style: chr5-153811171-G-A. GRCh37 (hg19) VCF-style: chr5-153190731-G-A.
Other names: c.2667G>A, p.Ser889= (NM_001114183.2); c.2427G>A, p.Ser809= (NM_001258019.2); c.2382G>A, p.Ser794= (NM_001258020.2); c.2697G>A, p.Ser899= (NM_001258021.2, NM_001258022.2); c.2460G>A, p.Ser820= (NM_001258023.1, NM_001364167.2); c.2499G>A, p.Ser833= (NM_001364165.2); c.2694G>A, p.Ser898= (NM_001364166.2).
Identifiers: ClinVar variation 3770875 (VCV003770875.13).